The following is an entry in ClinVar:

ClinVar aggregate classification (germline): Uncertain significance (1 of 4 stars; one submission).

Conditions:
Methylcobalamin deficiency type cblE (HMAE). Also called: HOMOCYSTINURIA-MEGALOBLASTIC ANEMIA, cblE COMPLEMENTATION TYPE; VITAMIN B12-RESPONSIVE HOMOCYSTINURIA, cblE TYPE; HOMOCYSTINURIA-MEGALOBLASTIC ANEMIA, cblE TYPE. Identifiers: Orphanet 2169, Orphanet 622, MedGen C1856057, MONDO:0009354, OMIM 236270.

Submission:

Labcorp Genetics (formerly Invitae), Labcorp
Classification: Uncertain significance for Methylcobalamin deficiency type cblE. Last evaluated: 2023-04-24. Review status: criteria provided, single submitter. Criteria: Invitae Variant Classification Sherloc (09022015). Collection method: clinical testing. Allele origin: germline.
Comment: This sequence change replaces asparagine, which is neutral and polar, with histidine, which is basic and polar, at codon 218 of the MTRR protein (p.Asn218His). In summary, the available evidence is currently insufficient to determine the role of this variant in disease. Therefore, it has been classified as a Variant of Uncertain Significance. An algorithm developed to predict the effect of missense changes on protein structure and function (PolyPhen-2) suggests that this variant is likely to be tolerated. ClinVar contains an entry for this variant (Variation ID: 2056397). This variant has not been reported in the literature in individuals affected with MTRR-related conditions. This variant is not present in population databases (gnomAD no frequency).

NM_002454.3(MTRR):c.652A>C (p.Asn218His)

Gene: MTRR (5-methyltetrahydrofolate-homocysteine methyltransferase reductase; plus strand). Cytogenetic location: 5p15.31.
Variant type: single nucleotide variant.
Coding change: c.652A>C on transcript NM_002454.3 (MANE Select); coding-DNA position 652, A replaced by C.
Protein change: p.Asn218His; replaces asparagine 218 with histidine.
Molecular consequence: missense variant. On other transcripts: non-coding transcript variant (14).
Genome position (GRCh38, 1-based): chr5:7,878,194, A>C. VCF-style: chr5-7878194-A-C. GRCh37 (hg19) VCF-style: chr5-7878307-A-C.
Other names: c.652A>C, p.Asn218His (NM_001364440.2, NM_001364441.2, NM_001364442.2 and 1 more transcripts); short protein forms N218H.
Identifiers: ClinVar variation 2056397 (VCV002056397.4), dbSNP rs1450756143, ClinGen allele CA359157186.